The following is an entry in ClinVar:

NM_005477.3(HCN4):c.*1659A>G

Gene: HCN4 (hyperpolarization activated cyclic nucleotide gated potassium channel 4; minus strand). Cytogenetic location: 15q24.1.
Variant type: single nucleotide variant.
Coding change: c.*1659A>G on transcript NM_005477.3 (MANE Select); 1659 bases downstream of the stop codon, A replaced by G.
Molecular consequence: 3 prime UTR variant.
Genome position (GRCh38, 1-based): chr15:73,320,822, T>C on the plus strand (A>G on the coding strand, the complement: HCN4 is on the minus strand). VCF-style: chr15-73320822-T-C. GRCh37 (hg19) VCF-style: chr15-73613163-T-C.
Identifiers: ClinVar variation 886592 (VCV000886592.4), dbSNP rs79656991, ClinGen allele CA272661931.

ClinVar aggregate classification (germline): Benign (1 of 4 stars; one submission).

Conditions:
Sick sinus syndrome 2, autosomal dominant (SSS2). Also called: ATRIAL FIBRILLATION WITH BRADYARRHYTHMIA; SINUS BRADYCARDIA SYNDROME, FAMILIAL, AUTOSOMAL DOMINANT; SINUS NODE DISEASE, FAMILIAL, AUTOSOMAL DOMINANT; SICK SINUS SYNDROME 2; SICK SINUS SYNDROME 2 WITH OR WITHOUT CARDIAC NONCOMPACTION AND/OR ASCENDING AORTA DILATION. Identifiers: Orphanet 166282, MedGen C1834144, MONDO:0008102, OMIM 163800.

Allele frequency attached by ClinVar (database versions not stated): gnomAD 0.02400 and 0.02574; TOPMed 0.02647; 1000 Genomes Project 0.02815; 1000 Genomes Project 30x 0.02951.

Submission:

Illumina Laboratory Services, Illumina
Classification: Benign for Sick sinus syndrome 2, autosomal dominant. Last evaluated: 2018-01-13. Review status: criteria provided, single submitter. Criteria: ICSL Variant Classification Criteria 13 December 2019. Collection method: clinical testing. Allele origin: germline.
Comment: This variant was observed in the ICSL laboratory as part of a predisposition screen in an ostensibly healthy population. It had not been previously curated by ICSL or reported in the Human Gene Mutation Database (HGMD: prior to June 1st, 2018), and was therefore a candidate for classification through an automated scoring system. Utilizing variant allele frequency, disease prevalence and penetrance estimates, and inheritance mode, an automated score was calculated to assess if this variant is too frequent to cause the disease. Based on the score and internal cut-off values, a variant classified as benign is not then subjected to further curation. The score for this variant resulted in a classification of benign for this disease.